The following is an entry in ClinVar:

ClinVar aggregate classification (germline): Uncertain significance (1 of 4 stars; one submission).

Conditions:
Orofaciodigital syndrome I (OFD1). Also called: Papillon-Leage and Psaume Syndrome; Oral-Facial-Digital Syndrome Type I; OFDS I. Identifiers: Orphanet 2750, MedGen C1510460, MONDO:0010702, OMIM 311200.
Joubert syndrome. Also called: Familial aplasia of the vermis; CEREBELLOPARENCHYMAL DISORDER IV; JOUBERT-BOLTSHAUSER SYNDROME. Identifiers: Orphanet 475, MedGen C5979921, MONDO:0018772.

Submission:

Labcorp Genetics (formerly Invitae), Labcorp
Classification: Uncertain significance for Oral-facial-digital syndrome; Joubert syndrome. Last evaluated: 2018-08-28. Review status: criteria provided, single submitter. Criteria: Invitae Variant Classification Sherloc (09022015). Collection method: clinical testing. Allele origin: germline.
Comment: This duplication results in an extra copy of the entire OFD1 gene. Â¬â€ The assay used to detect this duplication is not capable of determining its precise size or location within the genome. Â¬â€ More than 100 copy number gains have been reported encompassing the OFD1 gene, but all of these span multiple adjacent genes as well. It is currently unknown if this patient's duplication is similar to any of the reported copy number gains. Â¬â€ Additional testing, if available, to identify the breakpoints of this duplication should be considered and may help with interpretation. OFD1 is located on the X chromosome and full gene deletions have been reported to cause Oral-Facial-Digital syndrome type 1 in females and embryonic lethality in males (PMID: 23033313). Â¬â€ In mouse male embryos, deletion of OFD1 results in impaired left-right patterning and a lack of cilia in the node (PMID: 16311594). Â¬â€ Although these findings are suggestive of a role for OFD1 in the manifestation of heterotaxy, the clinical and functional significance of a duplication in OFD1 gene is not known.

Literature cited by the submitters: PubMed 23033313; PubMed 16311594.

NC_000023.10:g.(?_13753080)_(13754816_?)dup

Genes: OFD1 (OFD1 centriole and centriolar satellite protein; plus strand), LOC126863212 (CDK7 strongly-dependent group 2 enhancer GRCh37_chrX:13752241-13753440; plus strand). Cytogenetic location: Xp22.2.
Variant type: Duplication.
Identifiers: ClinVar variation 639881 (VCV000639881.1).